The following is an entry in ClinVar:

NM_000382.3(ALDH3A2):c.375del (p.Ile126fs)

Gene: ALDH3A2 (aldehyde dehydrogenase 3 family member A2; plus strand). Cytogenetic location: 17p11.2.
Variant type: Deletion.
Coding change: c.375del on transcript NM_000382.3 (MANE Select); coding-DNA position 375, one base deleted (C; older notation c.375delC).
Protein change: p.Ile126fs; shifts the reading frame from isoleucine 126.
Molecular consequence: frameshift variant. On other transcripts: 5 prime UTR variant (1).
Genome position (GRCh38, 1-based): chr17:19,651,768, C deleted; the last of 2 consecutive C bases (chr17:19,651,767-19,651,768); deleting either gives the same sequence. VCF-style (leftmost placement, unchanged base first): chr17-19651766-GC-G. GRCh37 (hg19) VCF-style: chr17-19555079-GC-G.
Other names: c.375del, p.Ile126fs (NM_001031806.2, NM_001369136.1, NM_001369137.2 and 3 more transcripts); c.-314del (NM_001369148.2); short protein forms I126fs.
Identifiers: ClinVar variation 5012405 (VCV005012405.1).

ClinVar aggregate classification (germline): Pathogenic (1 of 4 stars; one submission).

Conditions:
Sjögren-Larsson syndrome (SLS). Also called: FALDH DEFICIENCY; FATTY ALCOHOL:NAD+ OXIDOREDUCTASE DEFICIENCY; FATTY ALDEHYDE DEHYDROGENASE DEFICIENCY; ICHTHYOSIS, SPASTIC NEUROLOGIC DISORDER, AND OLIGOPHRENIA. Identifiers: Orphanet 816, MedGen C0037231, MONDO:0010031, OMIM 270200.

Submission:

Myriad Genetics, Inc.
Classification: Pathogenic for Sjögren-Larsson syndrome. Last evaluated: 2023-10-17. Review status: criteria provided, single submitter. Criteria: Myriad Autosomal Dominant, Autosomal Recessive and X-Linked Classification Criteria (2023). Collection method: clinical testing. Allele origin: unknown.
Comment: NM_000382.2(ALDH3A2):c.375delC(I126Sfs*7) is expected to be pathogenic in the context of Sjogren-Larsson syndrome. This variant is predicted to lead to an abnormal or absent protein product due to the creation of a premature termination codon in ALDH3A2, a gene where loss-of-function variants are known to be pathogenic. Please note: this variant was assessed in the context of healthy population screening.